The following is an entry in ClinVar:

NM_001458.5(FLNC):c.7956GAA[1] (p.Lys2653del)

Genes: FLNC (filamin C; plus strand), FLNC-AS1 (FLNC antisense RNA 1; minus strand). Cytogenetic location: 7q32.1.
Variant type: Microsatellite.
Coding change: c.7956GAA[1] on transcript NM_001458.5 (MANE Select); one copy of the 3-base unit GAA starting at c.7956; the reference has two copies in a row; one copy, 3 bases deleted.
Protein change: p.Lys2653del; deletes lysine 2653.
Molecular consequence: inframe deletion. On other transcripts: inframe indel (2).
Genome position (GRCh38, 1-based): chr7:128,858,186-128,858,188, GAA deleted; deleting any 3 consecutive bases within chr7:128,858,182-128,858,188 gives the same sequence; the position shown is the placement nearest the transcript's 3' end. VCF-style (leftmost placement, unchanged base first): chr7-128858181-CAGA-C. GRCh37 (hg19) VCF-style: chr7-128498235-CAGA-C.
Other names: c.7857GAA[1], p.Lys2620del (NM_001127487.2); c.7956_7958GAA[1], p.Lys2653del (NM_001458.4); c.7959_7961delGAA (NM_001458.4); short protein forms K2653del, K2620del.
Identifiers: ClinVar variation 1761377 (VCV001761377.2), dbSNP rs750089532, ClinGen allele CA4476388.

ClinVar aggregate classification (germline): Uncertain significance (1 of 4 stars; one submission).

Conditions:
Cardiovascular phenotype. Identifiers: MedGen CN230736.

Submission:

Ambry Genetics
Classification: Uncertain significance for Cardiovascular phenotype. Last evaluated: 2020-11-05. Review status: criteria provided, single submitter. Criteria: Ambry Variant Classification Scheme 2023. Collection method: clinical testing. Allele origin: germline.
Comment: The c.7959_7961delGAA variant (also known as p.K2653del) is located in coding exon 47 of the FLNC gene. This variant results from an in-frame GAA deletion at nucleotide positions 7959 to 7961. This results in the in-frame deletion of a lysine at codon 2653. This amino acid position is highly conserved in available vertebrate species. In addition, this alteration is predicted to be deleterious by in silico analysis (Choi Y et al. PLoS ONE. 2012; 7(10):e46688). Since supporting evidence is limited at this time, the clinical significance of this alteration remains unclear.